The following is an entry in ClinVar:

ClinVar aggregate classification (germline): Likely pathogenic (1 of 4 stars; one submission).

Conditions:
Peroxisome biogenesis disorder 7A (Zellweger). Also called: Peroxisome biogenesis disorder 7A. Identifiers: Orphanet 912, MedGen C3888385, MONDO:0013938, OMIM 614872.
Peroxisome biogenesis disorder 7B (PBD7B). Identifiers: Orphanet 44, MedGen C3553951, MONDO:0013939, OMIM 614873.

Submission:

Juno Genomics, Hangzhou Juno Genomics, Inc
Classification: Likely pathogenic for Peroxisome biogenesis disorder 7A (Zellweger); Peroxisome biogenesis disorder 7B. Review status: criteria provided, single submitter. Criteria: ACMG Guidelines, 2015. Collection method: clinical testing. Allele origin: germline. Affected: yes.
Comment: Null variant in a gene where loss of function (LOF) is a known mechanism of disease.;Absent from controls (or at extremely low frequency if recessive) in Genome Aggregation Database, Exome Sequencing Project, 1000 Genomes Project, or Exome Aggregation Consortium.

NM_001127649.3(PEX26):c.332del (p.Gln111fs)

Gene: PEX26 (peroxisomal biogenesis factor 26; plus strand). Cytogenetic location: 22q11.21.
Variant type: Deletion.
Coding change: c.332del on transcript NM_001127649.3 (MANE Select); coding-DNA position 332, one base deleted (A; older notation c.332delA).
Protein change: p.Gln111fs; shifts the reading frame from glutamine 111.
Molecular consequence: frameshift variant.
Genome position (GRCh38, 1-based): chr22:18,079,975, A deleted. VCF-style (leftmost placement, unchanged base first): chr22-18079974-CA-C. GRCh37 (hg19) VCF-style: chr22-18562740-CA-C.
Other names: c.332del, p.Gln111fs (NM_001199319.2, NM_017929.6); short protein forms Q111fs.
Identifiers: ClinVar variation 3382177 (VCV003382177.2).
Genomic context (GRCh38, chr22:18,079,974, plus strand): 5'-CAGGCCCTGGCAGAAATGGATCGGTGGCAAGAAGTCCTCTCCTGGGTCCTTCAGTATTAC[CA>C]GGTCCCTGAAAAGCTACCCCCCAAAGTCCTGGAGCTGTGGTAAGTCTTCTTTGCTGACTC-3'